The following is an entry in ClinVar:

ClinVar aggregate classification (germline): Uncertain significance (1 of 4 stars; one submission).

Conditions:
Mucopolysaccharidosis, MPS-III-A (MPS3A). Also called: Mucopolysaccharidosis, type IIIA; mucopolysaccharidosis type 3A; MPS IIIA (Sanfilippo Syndrome Type A); HEPARAN SULFATE SULFATASE DEFICIENCY; Mucopolysaccharidosis type IIIA (Sanfilippo A); SANFILIPPO SYNDROME A. Identifiers: Orphanet 581, Orphanet 79269, MedGen C0086647, MONDO:0009655, OMIM 252900.

gnomAD v4.1: 2 of 1,572,326 alleles (0.00013%); highest among the groups gnomAD compares: African/African-American, 0.0013%; no homozygotes.

Submission:

Labcorp Genetics (formerly Invitae), Labcorp
Classification: Uncertain significance for Mucopolysaccharidosis, MPS-III-A. Last evaluated: 2021-08-27. Review status: criteria provided, single submitter. Criteria: Invitae Variant Classification Sherloc (09022015). Collection method: clinical testing. Allele origin: germline.
Comment: This sequence change replaces proline with serine at codon 82 of the SGSH protein (p.Pro82Ser). The proline residue is highly conserved and there is a moderate physicochemical difference between proline and serine. This variant is not present in population databases (ExAC no frequency). This missense change has been observed in individual(s) with MPS III (PMID: 27590925). Algorithms developed to predict the effect of missense changes on protein structure and function are either unavailable or do not agree on the potential impact of this missense change (SIFT: "Tolerated"; PolyPhen-2: "Probably Damaging"; Align-GVGD: "Class C0"). In summary, the available evidence is currently insufficient to determine the role of this variant in disease. Therefore, it has been classified as a Variant of Uncertain Significance.

Literature cited by the submitters: PubMed 27590925.

NM_000199.5(SGSH):c.244C>T (p.Pro82Ser)

Gene: SGSH (N-sulfoglucosamine sulfohydrolase; minus strand). Cytogenetic location: 17q25.3.
Variant type: single nucleotide variant.
Coding change: c.244C>T on transcript NM_000199.5 (MANE Select); coding-DNA position 244, C replaced by T.
Protein change: p.Pro82Ser; replaces proline 82 with serine.
Molecular consequence: missense variant. On other transcripts: non-coding transcript variant (1).
Genome position (GRCh38, 1-based): chr17:80,217,037, G>A on the plus strand (C>T on the coding strand, the complement: SGSH is on the minus strand). VCF-style: chr17-80217037-G-A. GRCh37 (hg19) VCF-style: chr17-78190836-G-A.
Other names: c.244C>T, p.Pro82Ser (NM_001352921.3, NM_001352922.2); short protein forms P82S.
Identifiers: ClinVar variation 1361370 (VCV001361370.5), dbSNP rs1385318543, ClinGen allele CA401364087.
Genomic context (GRCh38, chr17:80,217,037, plus strand): 5'-GGACGCAGCCTGTCTACTCCCTGCCCACCCCCTCCTCCCGCCCCTTGCACCTCACCTGGG[G>A]CAGGCCAGTGAGGAGGCTGGCGCGGCTGGGAGAGCAGCTGCTGACCGAGGTGAAGGCATT-3'
Protein context (NP_000190.1, residues 72-92): PSRASLLTGL[Pro82Ser]QHQNGMYGLH